The following is an entry in ClinVar:

NM_004380.3(CREBBP):c.471G>A (p.Lys157=)

Gene: CREBBP (CREB binding lysine acetyltransferase; minus strand). Cytogenetic location: 16p13.3.
Variant type: single nucleotide variant.
Coding change: c.471G>A on transcript NM_004380.3 (MANE Select); coding-DNA position 471, G replaced by A.
Protein change: p.Lys157=; no amino-acid change (lysine 157 retained).
Molecular consequence: synonymous variant.
Genome position (GRCh38, 1-based): chr16:3,850,624, C>T on the plus strand (G>A on the coding strand, the complement: CREBBP is on the minus strand). VCF-style: chr16-3850624-C-T. GRCh37 (hg19) VCF-style: chr16-3900625-C-T.
Other names: c.471G>A, p.Lys157= (NM_001079846.1).
Identifiers: ClinVar variation 4980284 (VCV004980284.1).

ClinVar aggregate classification (germline): Likely benign (1 of 4 stars; one submission).

Conditions:
CREBBP-related disorder. Also called: CREBBP-related disorders; CREBBP-related condition.

gnomAD v4.1: 43 of 1,614,086 alleles (0.0027%); highest among the groups gnomAD compares: South Asian, 0.044%; no homozygotes.

Submission:

PreventionGenetics, part of Exact Sciences
Classification: Likely benign for CREBBP-related condition. Last evaluated: 2024-12-02. Review status: criteria provided, single submitter. Criteria: ACMG Guidelines, 2015. Collection method: clinical testing. Allele origin: germline.
Comment: This variant is classified as likely benign based on ACMG/AMP sequence variant interpretation guidelines (Richards et al. 2015 PMID: 25741868, with internal and published modifications).